The following is an entry in ClinVar:

NM_003243.5(TGFBR3):c.2330-3T>C

Gene: TGFBR3 (transforming growth factor beta receptor 3; minus strand). Cytogenetic location: 1p22.1.
Variant type: single nucleotide variant.
Coding change: c.2330-3T>C on transcript NM_003243.5 (MANE Select); 3 bases into the intron before coding-DNA position 2330, T replaced by C.
Molecular consequence: intron variant.
Genome position (GRCh38, 1-based): chr1:91,695,782, A>G on the plus strand (T>C on the coding strand, the complement: TGFBR3 is on the minus strand). VCF-style: chr1-91695782-A-G. GRCh37 (hg19) VCF-style: chr1-92161339-A-G.
Other names: c.2327-3T>C (NM_001195684.1, NM_001195683.2).
Identifiers: ClinVar variation 3044640 (VCV003044640.2), dbSNP rs200400158, ClinGen allele CA947553.

ClinVar aggregate classification (germline): Likely benign (0 of 4 stars; one submission).

Conditions:
TGFBR3-related disorder. Also called: TGFBR3-related condition.

Allele frequency attached by ClinVar (database versions not stated): 1000 Genomes Project 30x 0.00016; ExAC 0.00016; TOPMed 0.00017; 1000 Genomes Project 0.00020; gnomAD 0.00022; ESP Exome Variant Server 0.00023; gnomAD exomes 0.00044.
gnomAD v4.1: 670 of 1,613,880 alleles (0.042%); highest among the groups gnomAD compares: Non-Finnish European, 0.054%; no homozygotes.

Submission:

PreventionGenetics, part of Exact Sciences
Classification: Likely benign for TGFBR3-related condition. Last evaluated: 2019-07-10. Review status: no assertion criteria provided. Collection method: clinical testing. Allele origin: germline.
Comment: This variant is classified as likely benign based on ACMG/AMP sequence variant interpretation guidelines (Richards et al. 2015 PMID: 25741868, with internal and published modifications).